The following is an entry in ClinVar:

NM_015295.3(SMCHD1):c.40G>A (p.Val14Met)

Gene: SMCHD1 (structural maintenance of chromosomes flexible hinge domain containing 1; plus strand). Cytogenetic location: 18p11.32.
Variant type: single nucleotide variant.
Coding change: c.40G>A on transcript NM_015295.3 (MANE Select); coding-DNA position 40, G replaced by A.
Protein change: p.Val14Met; replaces valine 14 with methionine.
Molecular consequence: missense variant.
Genome position (GRCh38, 1-based): chr18:2,656,115, G>A. VCF-style: chr18-2656115-G-A. GRCh37 (hg19) VCF-style: chr18-2656114-G-A.
Other names: c.40G>A (NM_015295.2); short protein forms V14M.
Identifiers: ClinVar variation 286236 (VCV000286236.17), dbSNP rs559283578, ClinGen allele CA8870444.

ClinVar aggregate classification (germline): Conflicting classifications of pathogenicity. Review status: criteria provided, conflicting classifications (1 of 4 stars). 5 submissions from 5 submitters: Uncertain significance (4); Likely benign (1). Last evaluated 2025-12-04.

Conditions:
Inborn genetic diseases. Identifiers: MedGen C0950123, MeSH D030342.
Facioscapulohumeral muscular dystrophy 2 (FSHD2). Also called: MUSCULAR DYSTROPHY, FACIOSCAPULOHUMERAL, TYPE 1B; FACIOSCAPULOHUMERAL MUSCULAR DYSTROPHY 2, DIGENIC; FSHD2, DIGENIC. Identifiers: Orphanet 269, MedGen C1834671, MONDO:0008031, OMIM 158901.

Allele frequency attached by ClinVar (database versions not stated): TOPMed 0.00002; gnomAD 0.00003; gnomAD exomes 0.00007; ExAC 0.00014; 1000 Genomes Project 30x 0.00016; 1000 Genomes Project 0.00020.
gnomAD v4.1: 126 of 1,461,246 alleles (0.0086%); highest among the groups gnomAD compares: Non-Finnish European, 0.011%; no homozygotes.

Submissions (5):

Ambry Genetics
Classification: Uncertain significance for Inborn genetic diseases. Last evaluated: 2025-12-04. Review status: criteria provided, single submitter. Criteria: Ambry Variant Classification Scheme 2023. Collection method: clinical testing. Allele origin: germline.

Labcorp Genetics (formerly Invitae), Labcorp
Classification: Uncertain significance for Facioscapulohumeral muscular dystrophy 2. Last evaluated: 2025-04-08. Review status: criteria provided, single submitter. Criteria: Invitae Variant Classification Sherloc (09022015). Collection method: clinical testing. Allele origin: germline.
Comment: This sequence change replaces valine, which is neutral and non-polar, with methionine, which is neutral and non-polar, at codon 14 of the SMCHD1 protein (p.Val14Met). This variant is present in population databases (rs559283578, gnomAD 0.01%). This variant has not been reported in the literature in individuals affected with SMCHD1-related conditions. ClinVar contains an entry for this variant (Variation ID: 286236). Experimental studies and prediction algorithms are not available or were not evaluated, and the functional significance of this variant is currently unknown. In summary, the available evidence is currently insufficient to determine the role of this variant in disease. Therefore, it has been classified as a Variant of Uncertain Significance.

Revvity Omics, Revvity
Classification: Uncertain significance. Last evaluated: 2024-03-05. Review status: criteria provided, single submitter. Criteria: ACMG Guidelines, 2015. Collection method: clinical testing. Allele origin: germline.

Blueprint Genetics
Classification: Likely benign. Last evaluated: 2021-04-12. Review status: criteria provided, single submitter. Criteria: ACMG Guidelines, 2015. Collection method: clinical testing. Allele origin: germline.

Eurofins Ntd Llc (ga)
Classification: Uncertain significance. Last evaluated: 2016-02-25. Review status: criteria provided, single submitter. Criteria: EGL Classification Definitions 2015. Collection method: clinical testing. Allele origin: germline. Observed: 1 variant allele, 1 heterozygote.